The following is an entry in ClinVar:

ClinVar aggregate classification (germline): Pathogenic. Review status: reviewed by expert panel (3 of 4 stars). 7 submissions from 7 submitters: Pathogenic (1). 6 of the submissions do not count toward it. Last evaluated 2017-12-15.

Conditions:
Hereditary cancer-predisposing syndrome. Also called: Tumor predisposition; Hereditary Cancer Syndrome; Neoplastic Syndromes, Hereditary; Hereditary neoplastic syndrome. Identifiers: Orphanet 140162, MedGen C0027672, MeSH D009386, MONDO:0015356.
Hereditary breast ovarian cancer syndrome. Also called: Hereditary breast and ovarian cancer; Breast and ovarian cancer; Hereditary breast and/or ovarian cancer syndrome; BRCA1- and BRCA2-Associated Hereditary Breast and Ovarian Cancer; Hereditary breast and ovarian cancer syndrome; Hereditary breast and ovarian cancer syndrome (HBOC). Identifiers: Orphanet 145, MedGen C0677776, MeSH D061325, MONDO:0003582. Disease mechanism: loss of function.
Breast-ovarian cancer, familial, susceptibility to, 2 (BROVCA2). Also called: BRCA2 Hereditary Breast and Ovarian Cancer. Identifiers: Orphanet 145, MedGen C2675520, MONDO:0012933, OMIM 612555. Disease mechanism: loss of function.

Submissions (7):

Evidence-based Network for the Interpretation of Germline Mutant Alleles (ENIGMA)
Classification: Pathogenic for Breast-ovarian cancer, familial, susceptibility to, 2. Last evaluated: 2017-12-15. Review status: reviewed by expert panel. Criteria: ENIGMA BRCA1/2 Classification Criteria (2017-06-29). Collection method: curation. Allele origin: germline. Study: ENIGMA.
Comment: Variant allele predicted to encode a truncated non-functional protein.

Labcorp Genetics (formerly Invitae), Labcorp
Classification: Pathogenic for Hereditary breast ovarian cancer syndrome. Last evaluated: 2026-01-13. Review status: criteria provided, single submitter. Criteria: Invitae Variant Classification Sherloc (09022015). Collection method: clinical testing. Allele origin: germline. Not counted in ClinVar's aggregate classification.
Comment: This sequence change creates a premature translational stop signal (p.Thr1410Asnfs*4) in the BRCA2 gene. It is expected to result in an absent or disrupted protein product. Loss-of-function variants in BRCA2 are known to be pathogenic (PMID: 20104584). This variant is not present in population databases (gnomAD no frequency). This variant has not been reported in the literature in individuals affected with BRCA2-related conditions. ClinVar contains an entry for this variant (Variation ID: 252830). For these reasons, this variant has been classified as Pathogenic.

Ambry Genetics
Classification: Pathogenic for Hereditary cancer-predisposing syndrome. Last evaluated: 2025-04-23. Review status: criteria provided, single submitter. Criteria: Ambry Variant Classification Scheme 2023. Collection method: clinical testing. Allele origin: germline. Not counted in ClinVar's aggregate classification.
Comment: The c.4228dupA pathogenic mutation, located in coding exon 10 of the BRCA2 gene, results from a duplication of A at nucleotide position 4228, causing a translational frameshift with a predicted alternate stop codon (p.T1410Nfs*4). This alteration is expected to result in loss of function by premature protein truncation or nonsense-mediated mRNA decay. As such, this alteration is interpreted as a disease-causing mutation.

All of Us Research Program, National Institutes of Health
Classification: Pathogenic for Breast-ovarian cancer, familial, susceptibility to, 2. Last evaluated: 2023-07-07. Review status: criteria provided, single submitter. Criteria: ACMG Guidelines, 2015. Collection method: clinical testing. Allele origin: germline. Inheritance: Autosomal dominant inheritance. Observed: 1 variant allele, 1 heterozygote. Not counted in ClinVar's aggregate classification.
Comment: The c.4228dup (p.Thr1410Asnfs*4) variant in the BRCA2 gene is located on the exon 11 and is predicted to result in shift of reading frame that introduce a premature translation termination codon (p.Thr1410Asnfs*4), resulting in an absent or disrupted protein product. Loss-of-function variants of BRCA2 are known to be pathogenic (PMID: 8988179, 11897832, 29446198). The variant is reported in ClinVar as pathogenic (ID: 252830) and reviewed by the expert panel. The variant is absent in the general population database (gnomAD). Therefore, the c.4228dup (p.Thr1410Asnfs*4) variant of BRCA2 has been classified as pathogenic.

This study involves interpretation of variants in research participants for the purpose of population health screening. Participant phenotype was not available at the time of variant classification. Additional details can be found in publication PMID: 35346344, PMCID: PMC8962531

Color Diagnostics, LLC DBA Color Health
Classification: Pathogenic for Hereditary cancer-predisposing syndrome. Last evaluated: 2021-02-01. Review status: criteria provided, single submitter. Criteria: ACMG Guidelines, 2015. Collection method: clinical testing. Allele origin: germline. Not counted in ClinVar's aggregate classification.
Comment: This variant inserts 1 nucleotide in exon 11 of the BRCA2 gene, creating a frameshift and premature translation stop signal. This variant is expected to result in an absent or non-functional protein product. To our knowledge, this variant has not been reported in individuals affected with hereditary cancer in the literature. This variant has not been identified in the general population by the Genome Aggregation Database (gnomAD). Loss of BRCA2 function is a known mechanism of disease. Based on the available evidence, this variant is classified as Pathogenic.

GeneDx
Classification: Pathogenic. Last evaluated: 2017-09-21. Review status: criteria provided, single submitter. Criteria: GeneDx Variant Classification (06012015). Collection method: clinical testing. Allele origin: germline. Affected: yes. Not counted in ClinVar's aggregate classification.
Comment: This duplication of one nucleotide in BRCA2 is denoted c.4228dupA at the cDNA level and p.Thr1410AsnfsX4 (T1410NfsX4) at the protein level. Using alternate nomenclature, this variant would be defined as BRCA2 4456dupA or 4456insA. The normal sequence, with the base that is duplicated in brackets, is GTTA[dupA]CTGC. The duplication causes a frameshift which changes a Threonine to an Asparagine at codon 1410, and creates a premature stop codon at position 4 of the new reading frame. Although this variant has not, to our knowledge, been reported in the literature, it is predicted to cause loss of normal protein function through either protein truncation or nonsense-mediated mRNA decay. We consider this variant to be pathogenic.

Sharing Clinical Reports Project (SCRP)
Classification: Pathogenic for Breast-ovarian cancer, familial 2. Last evaluated: 2013-10-08. Review status: no assertion criteria provided. Collection method: clinical testing. Allele origin: germline. Not counted in ClinVar's aggregate classification.

Literature cited by the submitters: PubMed 20104584 (cited by Labcorp Genetics (formerly Invitae), Labcorp); PubMed 8988179 (cited by All of Us Research Program, National Institutes of Health); PubMed 11897832 (cited by All of Us Research Program, National Institutes of Health); PubMed 29446198 (cited by All of Us Research Program, National Institutes of Health).

NM_000059.3(BRCA2):c.4228_4229insA (p.Thr1410Asnfs)

Gene: BRCA2 (BRCA2 DNA repair associated; plus strand). Cytogenetic location: 13q13.1.
Variant type: Duplication.
Coding change: c.4228_4229insA on transcript NM_000059.3; coding-DNA positions 4228 to 4229, A inserted.
Protein change: p.Thr1410Asnfs; shifts the reading frame from threonine 1410.
Molecular consequence: frameshift variant (on NM_000059.4).
Genome position: GRCh38 VCF-style: chr13-32338581-T-TA. GRCh37 (hg19) VCF-style: chr13-32912718-T-TA.
Other names: 4456INSA; c.4228dupA (NM_000059.3); c.4228dup, p.Thr1410fs (NM_000059.4); short protein forms T1410fs.
Identifiers: ClinVar variation 252830 (VCV000252830.17), dbSNP rs879255450, ClinGen allele CA10586066.